The following is an entry in ClinVar:

NM_001374828.1(ARID1B):c.5640C>T (p.Ser1880=)

Gene: ARID1B (AT-rich interaction domain 1B; plus strand). Cytogenetic location: 6q25.3.
Variant type: single nucleotide variant.
Coding change: c.5640C>T on transcript NM_001374828.1 (MANE Select); coding-DNA position 5640, C replaced by T.
Protein change: p.Ser1880=; no amino-acid change (serine 1880 retained).
Molecular consequence: synonymous variant.
Genome position (GRCh38, 1-based): chr6:157,206,412, C>T. VCF-style: chr6-157206412-C-T. GRCh37 (hg19) VCF-style: chr6-157527546-C-T.
Other names: c.5271C>T (NM_020732.3); c.3141C>T, p.Ser1047= (NM_001363725.2); c.5520C>T, p.Ser1840= (NM_001371656.1, NM_001374820.1); c.5481C>T, p.Ser1827= (NM_017519.3).
Identifiers: ClinVar variation 1246887 (VCV001246887.32), dbSNP rs555132244, ClinGen allele CA4067874.

ClinVar aggregate classification (germline): Benign/Likely benign. Review status: criteria provided, multiple submitters, no conflicts (2 of 4 stars). 3 submissions from 3 submitters: Benign (2); Likely benign (1). Last evaluated 2025-11-10.

Allele frequency attached by ClinVar (database versions not stated): gnomAD 0.00006; ExAC 0.00008; gnomAD exomes 0.00009; 1000 Genomes Project 30x 0.00016; 1000 Genomes Project 0.00020.

Submissions (3):

Labcorp Genetics (formerly Invitae), Labcorp
Classification: Benign. Last evaluated: 2025-11-10. Review status: criteria provided, single submitter. Criteria: Invitae Variant Classification Sherloc (09022015). Collection method: clinical testing. Allele origin: germline.

CeGaT Center for Human Genetics Tuebingen
Classification: Likely benign. Last evaluated: 2022-07-01. Review status: criteria provided, single submitter. Criteria: CeGaT Center For Human Genetics Tuebingen Variant Classification Criteria Version 2. Collection method: clinical testing. Allele origin: germline. Affected: yes. Observed: 2 variant alleles.
Comment: ARID1B: BP4, BP7

GeneDx
Classification: Benign. Last evaluated: 2020-03-13. Review status: criteria provided, single submitter. Criteria: GeneDx Variant Classification Process June 2021. Collection method: clinical testing. Allele origin: germline. Affected: yes.